The following is an entry in ClinVar:

NM_005732.4(RAD50):c.1554G>C (p.Leu518=)

Gene: RAD50 (RAD50 double strand break repair protein; plus strand). Cytogenetic location: 5q31.1.
Variant type: single nucleotide variant.
Coding change: c.1554G>C on transcript NM_005732.4 (MANE Select); coding-DNA position 1554, G replaced by C.
Protein change: p.Leu518=; no amino-acid change (leucine 518 retained).
Molecular consequence: synonymous variant.
Genome position (GRCh38, 1-based): chr5:132,591,325, G>C. VCF-style: chr5-132591325-G-C. GRCh37 (hg19) VCF-style: chr5-131927017-G-C.
Identifiers: ClinVar variation 187548 (VCV000187548.20), dbSNP rs148214481, ClinGen allele CA197927.
Genomic context (GRCh38, chr5:132,591,325, plus strand): 5'-AACCTTAAAAATGGAAGTAATAAGTCTCCAAAATGAAAAAGCAGACTTAGACAGGACCCT[G>C]CGTAAACTTGACCAGGAGATGGAGCAGTTAAACCATCATACAACAACACGTACCCAAATG-3'
Protein context (NP_005723.2, residues 508-528): QNEKADLDRT[Leu518=]RKLDQEMEQL

ClinVar aggregate classification (germline): Likely benign. Review status: criteria provided, multiple submitters, no conflicts (2 of 4 stars). 5 submissions from 5 submitters: Likely benign (4). 1 of the submissions does not count toward it. Last evaluated 2026-02-06.

Conditions:
RAD50-related disorder. Also called: RAD50-related condition.
Hereditary cancer-predisposing syndrome. Also called: Tumor predisposition; Neoplastic Syndromes, Hereditary; Hereditary Cancer Syndrome; Hereditary neoplastic syndrome. Identifiers: Orphanet 140162, MedGen C0027672, MeSH D009386, MONDO:0015356.

Allele frequency attached by ClinVar (database versions not stated): gnomAD exomes 0.00001 and 0.00003; ExAC 0.00004; ESP Exome Variant Server 0.00008; TOPMed 0.00011; gnomAD 0.00013; 1000 Genomes Project 0.00060; 1000 Genomes Project 30x 0.00062.
gnomAD v4.1: 33 of 1,613,868 alleles (0.002%); highest among the groups gnomAD compares: African/African-American, 0.043%; no homozygotes.

Submissions (5):

Women's Health and Genetics/Laboratory Corporation of America, LabCorp
Classification: Likely benign. Last evaluated: 2026-02-06. Review status: criteria provided, single submitter. Criteria: LabCorp Variant Classification Summary - May 2015. Collection method: clinical testing. Allele origin: germline.

Labcorp Genetics (formerly Invitae), Labcorp
Classification: Likely benign for Hereditary cancer-predisposing syndrome. Last evaluated: 2025-08-07. Review status: criteria provided, single submitter. Criteria: Invitae Variant Classification Sherloc (09022015). Collection method: clinical testing. Allele origin: germline.

Quest Diagnostics Nichols Institute San Juan Capistrano
Classification: Likely benign. Last evaluated: 2022-09-27. Review status: criteria provided, single submitter. Criteria: Quest Diagnostics criteria. Collection method: clinical testing. Allele origin: unknown.

Ambry Genetics
Classification: Likely benign for Hereditary cancer-predisposing syndrome. Last evaluated: 2014-12-23. Review status: criteria provided, single submitter. Criteria: Ambry Variant Classification Scheme 2023. Collection method: clinical testing. Allele origin: germline.

PreventionGenetics, part of Exact Sciences
Classification: Likely benign for RAD50-related condition. Last evaluated: 2022-03-05. Review status: no assertion criteria provided. Collection method: clinical testing. Allele origin: germline. Not counted in ClinVar's aggregate classification.
Comment: This variant is classified as likely benign based on ACMG/AMP sequence variant interpretation guidelines (Richards et al. 2015 PMID: 25741868, with internal and published modifications).